The following is an entry in ClinVar:

ClinVar aggregate classification (germline): Benign. Review status: criteria provided, multiple submitters, no conflicts (2 of 4 stars). 3 submissions from 3 submitters: Benign (3). Last evaluated 2019-04-16.

Conditions:
Autosomal dominant aplasia and myelodysplasia. Also called: Bone marrow failure syndrome 1. Identifiers: Orphanet 314399, MedGen C3808553, MONDO:0013851, OMIM 614675.

Allele frequency attached by ClinVar (database versions not stated): gnomAD exomes 0.00202; gnomAD 0.02050 and 0.02206; TOPMed 0.02288; 1000 Genomes Project 30x 0.02405; 1000 Genomes Project 0.02436.
gnomAD v4.1: 4,754 of 926,954 alleles (0.51%); highest among the groups gnomAD compares: African/African-American, 7.1%; 155 homozygotes.

Submissions (3):

GeneDx
Classification: Benign. Last evaluated: 2019-04-16. Review status: criteria provided, single submitter. Criteria: GeneDx Variant Classification Process June 2021. Collection method: clinical testing. Allele origin: germline. Affected: yes.

Illumina Laboratory Services, Illumina
Classification: Benign for Autosomal dominant aplasia and myelodysplasia. Last evaluated: 2018-01-12. Review status: criteria provided, single submitter. Criteria: ICSL Variant Classification Criteria 13 December 2019. Collection method: clinical testing. Allele origin: germline.
Comment: This variant was observed in the ICSL laboratory as part of a predisposition screen in an ostensibly healthy population. It had not been previously curated by ICSL or reported in the Human Gene Mutation Database (HGMD: prior to June 1st, 2018), and was therefore a candidate for classification through an automated scoring system. Utilizing variant allele frequency, disease prevalence and penetrance estimates, and inheritance mode, an automated score was calculated to assess if this variant is too frequent to cause the disease. Based on the score and internal cut-off values, a variant classified as benign is not then subjected to further curation. The score for this variant resulted in a classification of benign for this disease.

Breakthrough Genomics
Classification: Benign. Review status: criteria provided, single submitter. Criteria: ACMG Guidelines, 2015. Collection method: not provided. Allele origin: germline. Inheritance: Autosomal dominant inheritance. Affected: yes.

NM_006947.4(SRP72):c.*139G>A

Gene: SRP72 (signal recognition particle 72; plus strand). Cytogenetic location: 4q12.
Variant type: single nucleotide variant.
Coding change: c.*139G>A on transcript NM_006947.4 (MANE Select); 139 bases downstream of the stop codon, G replaced by A.
Molecular consequence: 3 prime UTR variant. On other transcripts: non-coding transcript variant (1).
Genome position (GRCh38, 1-based): chr4:56,502,000, G>A. VCF-style: chr4-56502000-G-A. GRCh37 (hg19) VCF-style: chr4-57368166-G-A.
Other names: c.*139G>A (NM_001267722.2).
Identifiers: ClinVar variation 349138 (VCV000349138.7), dbSNP rs28438730, ClinGen allele CA10618920.